The following is an entry in ClinVar:

ClinVar aggregate classification (germline): Uncertain significance (1 of 4 stars; one submission).

Conditions:
Immunodeficiency 39 (IMD39). Identifiers: Orphanet 574918, MedGen C4225358, MONDO:0014597, OMIM 616345.

Allele frequency attached by ClinVar (database versions not stated): gnomAD exomes below 0.00001; TOPMed 0.00001.
gnomAD v4.1: 5 of 1,576,464 alleles (0.00032%); highest among the groups gnomAD compares: Admixed American, 0.0018%; no homozygotes.

Submission:

Labcorp Genetics (formerly Invitae), Labcorp
Classification: Uncertain significance for Immunodeficiency 39. Last evaluated: 2022-12-08. Review status: criteria provided, single submitter. Criteria: Invitae Variant Classification Sherloc (09022015). Collection method: clinical testing. Allele origin: germline.
Comment: In summary, the available evidence is currently insufficient to determine the role of this variant in disease. Therefore, it has been classified as a Variant of Uncertain Significance. This variant has not been reported in the literature in individuals affected with IRF7-related conditions. This variant is not present in population databases (gnomAD no frequency). This sequence change creates a premature translational stop signal (p.Gln315*) in the IRF7 gene. It is expected to result in an absent or disrupted protein product. However, the current clinical and genetic evidence is not sufficient to establish whether loss-of-function variants in IRF7 cause disease.

NM_001572.5(IRF7):c.904C>T (p.Gln302Ter)

Gene: IRF7 (interferon regulatory factor 7; minus strand). Cytogenetic location: 11p15.5.
Variant type: single nucleotide variant.
Coding change: c.904C>T on transcript NM_001572.5 (MANE Select); coding-DNA position 904, C replaced by T.
Protein change: p.Gln302Ter; replaces glutamine 302 with a stop codon.
Molecular consequence: nonsense.
Genome position (GRCh38, 1-based): chr11:613,539, G>A on the plus strand (C>T on the coding strand, the complement: IRF7 is on the minus strand). VCF-style: chr11-613539-G-A. GRCh37 (hg19) VCF-style: chr11-613539-G-A.
Other names: c.817C>T, p.Gln273Ter (NM_004029.4); c.943C>T, p.Gln315Ter (NM_004031.4); short protein forms Q302*, Q315*, Q273*.
Identifiers: ClinVar variation 2819350 (VCV002819350.3), dbSNP rs1023415685, ClinGen allele CA216910702.
Genomic context (GRCh38, chr11:613,539, plus strand): 5'-GGACAGCTGGGTCTGGGGGGCCGTATAGGAACGTGCAGCTCGGGTGTCCCACCACCTTCT[G>A]CAGCACCGTGCGGCCCTTGTACATGATGGTCACGTCCAGCGCCCCTGGGCTGGGCTCTGT-3'